The following is an entry in ClinVar:

NM_005609.4(PYGM):c.204G>A (p.Trp68Ter)

Gene: PYGM (glycogen phosphorylase, muscle associated; minus strand). Cytogenetic location: 11q13.1.
Variant type: single nucleotide variant.
Coding change: c.204G>A on transcript NM_005609.4 (MANE Select); coding-DNA position 204, G replaced by A.
Protein change: p.Trp68Ter; replaces tryptophan 68 with a stop codon.
Molecular consequence: nonsense.
Genome position (GRCh38, 1-based): chr11:64,759,695, C>T on the plus strand (G>A on the coding strand, the complement: PYGM is on the minus strand). VCF-style: chr11-64759695-C-T. GRCh37 (hg19) VCF-style: chr11-64527167-C-T.
Other names: c.204G>A, p.Trp68Ter (NM_001164716.1); short protein forms W68*.
Identifiers: ClinVar variation 370250 (VCV000370250.7), dbSNP rs1057516349, ClinGen allele CA16041507.
Genomic context (GRCh38, chr11:64,759,695, plus strand): 5'-CCCCAGGCTCCCCAGCAGCACCTTGGGGTCCTTCTCATAGTAGTGCTGCTGCGTGCGGAT[C>T]CAGCGCCCCACGAGGTGGTCGCGCACGGTATGGGCCAGAGCAAAGTAGTAGTCTCGTGGG-3'

ClinVar aggregate classification (germline): Pathogenic/Likely pathogenic. Review status: criteria provided, multiple submitters, no conflicts (2 of 4 stars). 3 submissions from 3 submitters: Pathogenic (1); Likely pathogenic (1). 1 of the submissions does not count toward it. Last evaluated 2024-05-16.

Conditions:
Glycogen storage disease, type V (GSD5). Also called: PYGM DEFICIENCY; McArdle type glycogen storage disease; MYOPHOSPHORYLASE DEFICIENCY; MCARDLE DISEASE; MUSCLE GLYCOGEN PHOSPHORYLASE DEFICIENCY. Identifiers: Orphanet 368, MedGen C0017924, MONDO:0009293, OMIM 232600.

Allele frequency attached by ClinVar (database versions not stated): TOPMed below 0.00001.

Submissions (3):

Fulgent Genetics
Classification: Likely pathogenic for Glycogen storage disease, type V. Last evaluated: 2024-05-16. Review status: criteria provided, single submitter. Criteria: ACMG Guidelines, 2015. Collection method: clinical testing. Allele origin: germline.

Labcorp Genetics (formerly Invitae), Labcorp
Classification: Pathogenic for Glycogen storage disease, type V. Last evaluated: 2023-11-21. Review status: criteria provided, single submitter. Criteria: Invitae Variant Classification Sherloc (09022015). Collection method: clinical testing. Allele origin: germline.
Comment: This sequence change creates a premature translational stop signal (p.Trp68*) in the PYGM gene. It is expected to result in an absent or disrupted protein product. Loss-of-function variants in PYGM are known to be pathogenic (PMID: 8316268, 16786513). This variant is not present in population databases (gnomAD no frequency). This variant has not been reported in the literature in individuals affected with PYGM-related conditions. ClinVar contains an entry for this variant (Variation ID: 370250). For these reasons, this variant has been classified as Pathogenic.

Counsyl
Classification: Likely pathogenic for Glycogen storage disease, type V. Last evaluated: 2015-12-28. Review status: no assertion criteria provided. Collection method: clinical testing. Allele origin: unknown. Not counted in ClinVar's aggregate classification.

Literature cited by the submitters: PubMed 8316268 (cited by Labcorp Genetics (formerly Invitae), Labcorp); PubMed 16786513 (cited by Labcorp Genetics (formerly Invitae), Labcorp).